The following is an entry in ClinVar:

NM_015443.4(KANSL1):c.1343G>A (p.Arg448His)

Gene: KANSL1 (KAT8 regulatory NSL complex subunit 1). Cytogenetic location: 17q21.31.
Variant type: single nucleotide variant.
Coding change: c.1343G>A on transcript NM_015443.4 (MANE Select); coding-DNA position 1343, G replaced by A.
Protein change: p.Arg448His; replaces arginine 448 with histidine.
Molecular consequence: missense variant.
Genome position (GRCh38, 1-based): chr17:46,094,648, C>T on the plus strand (G>A on the coding strand, the complement: KANSL1 is on the minus strand). VCF-style: chr17-46094648-C-T. GRCh37 (hg19) VCF-style: chr17-44172014-C-T.
Other names: c.1343G>A, p.Arg448His (NM_001193465.2, NM_001193466.2, NM_001379198.1); short protein forms R448H.
Identifiers: ClinVar variation 379317 (VCV000379317.3), dbSNP rs760727599, ClinGen allele CA8618841.

ClinVar aggregate classification (germline): Conflicting classifications of pathogenicity. Review status: criteria provided, conflicting classifications (1 of 4 stars). 2 submissions from 2 submitters: Uncertain significance (1); Likely benign (1). Last evaluated 2021-08-28.

Conditions:
Koolen-de Vries syndrome (KDVS). Identifiers: Orphanet 96169, MedGen C1864871, MONDO:0012496, OMIM 610443.

Allele frequency attached by ClinVar (database versions not stated): gnomAD 0.00001; TOPMed 0.00001; gnomAD exomes 0.00004 and 0.00006; ExAC 0.00007.
gnomAD v4.1: 54 of 1,613,986 alleles (0.0033%); highest among the groups gnomAD compares: South Asian, 0.027%; no homozygotes.

Submissions (2):

Labcorp Genetics (formerly Invitae), Labcorp
Classification: Uncertain significance for Koolen-de Vries syndrome. Last evaluated: 2021-08-28. Review status: criteria provided, single submitter. Criteria: Invitae Variant Classification Sherloc (09022015). Collection method: clinical testing. Allele origin: germline.
Comment: Due to the possible presence of a polymorphic segmental duplication, the location of the variant could not be unambiguously resolved. Variants with ambiguous mapping are still reported relative to the KANSL1 transcript. This sequence change replaces arginine with histidine at codon 448 of the KANSL1 protein (p.Arg448His). The arginine residue is highly conserved and there is a small physicochemical difference between arginine and histidine. The frequency data for this variant in the population databases (ExAC) is considered unreliable due to the presence of homologous sequence, such as pseudogenes or paralogs, in the genome. This variant has not been reported in the literature in individuals with KANSL1-related conditions. ClinVar contains an entry for this variant (Variation ID: 379317). Algorithms developed to predict the effect of missense changes on protein structure and function are either unavailable or do not agree on the potential impact of this missense change (SIFT: "Deleterious"; PolyPhen-2: "Benign"; Align-GVGD: "Class C25"). Until the location of this sequence change can be resolved, the clinical significance of this variant remains uncertain. It has been classified as a Variant of Uncertain Significance.

GeneDx
Classification: Likely benign. Last evaluated: 2015-03-24. Review status: criteria provided, single submitter. Criteria: GeneDx Variant Classification (06012015). Collection method: clinical testing. Allele origin: germline. Affected: yes.
Comment: This variant is considered likely benign or benign based on one or more of the following criteria: it is a conservative change, it occurs at a poorly conserved position in the protein, it is predicted to be benign by multiple in silico algorithms, and/or has population frequency not consistent with disease.